The following is an entry in ClinVar:

ClinVar aggregate classification (germline): Uncertain significance (1 of 4 stars; one submission).

Allele frequency attached by ClinVar (database versions not stated): TOPMed below 0.00001; ExAC 0.00001; gnomAD 0.00001.
gnomAD v4.1: 8 of 1,613,846 alleles (0.0005%); highest among the groups gnomAD compares: South Asian, 0.0011%; no homozygotes.

Submission:

Labcorp Genetics (formerly Invitae), Labcorp
Classification: Uncertain significance. Last evaluated: 2023-05-16. Review status: criteria provided, single submitter. Criteria: Invitae Variant Classification Sherloc (09022015). Collection method: clinical testing. Allele origin: germline.
Comment: This sequence change replaces serine, which is neutral and polar, with phenylalanine, which is neutral and non-polar, at codon 1575 of the COL4A1 protein (p.Ser1575Phe). In summary, the available evidence is currently insufficient to determine the role of this variant in disease. Therefore, it has been classified as a Variant of Uncertain Significance. Experimental studies and prediction algorithms are not available or were not evaluated, and the functional significance of this variant is currently unknown. This variant has not been reported in the literature in individuals affected with COL4A1-related conditions. This variant is present in population databases (rs770790869, gnomAD 0.003%).

NM_001845.6(COL4A1):c.4724C>T (p.Ser1575Phe)

Gene: COL4A1 (collagen type IV alpha 1 chain; minus strand). Cytogenetic location: 13q34.
Variant type: single nucleotide variant.
Coding change: c.4724C>T on transcript NM_001845.6 (MANE Select); coding-DNA position 4724, C replaced by T.
Protein change: p.Ser1575Phe; replaces serine 1575 with phenylalanine.
Molecular consequence: missense variant.
Genome position (GRCh38, 1-based): chr13:110,155,314, G>A on the plus strand (C>T on the coding strand, the complement: COL4A1 is on the minus strand). VCF-style: chr13-110155314-G-A. GRCh37 (hg19) VCF-style: chr13-110807661-G-A.
Other names: short protein forms S1575F.
Identifiers: ClinVar variation 2910931 (VCV002910931.3), dbSNP rs770790869, ClinGen allele CA7046836.
Genomic context (GRCh38, chr13:110,155,314, plus strand): 5'-GGAAATATGGCGTCTCCCCAGACACTTACCATCACAAAAGAGTAGCCGATCCACAGCGAG[G>A]ACCACCCGCTGGGGCACGGTGGGATCTGAATGGTCTGGCTGTGCACGGCCATCACCATGG-3'
Protein context (NP_001836.3, residues 1565-1585): IQIPPCPSGW[Ser1575Phe]SLWIGYSFVM